The following is an entry in ClinVar:

ClinVar aggregate classification (germline): Benign (1 of 4 stars; one submission).

gnomAD v4.1: 1,273 of 1,600,128 alleles (0.08%); highest among the groups gnomAD compares: Non-Finnish European, 0.1%; 2 homozygotes.

Submission:

CeGaT Center for Human Genetics Tuebingen
Classification: Benign. Last evaluated: 2025-07-01. Review status: criteria provided, single submitter. Criteria: CeGaT Center For Human Genetics Tuebingen Variant Classification Criteria Version 2. Collection method: clinical testing. Allele origin: germline. Affected: yes. Observed: 1 variant allele.
Comment: NOS3: BS1, BS2

NM_000603.5(NOS3):c.31C>A (p.Pro11Thr)

Genes: NOS3 (nitric oxide synthase 3; plus strand), LOC110973015 (NOS3 5' regulatory region; plus strand). Cytogenetic location: 7q36.1.
Variant type: single nucleotide variant.
Coding change: c.31C>A on transcript NM_000603.5 (MANE Select); coding-DNA position 31, C replaced by A.
Protein change: p.Pro11Thr; replaces proline 11 with threonine.
Molecular consequence: missense variant.
Genome position (GRCh38, 1-based): chr7:150,993,834, C>A. VCF-style: chr7-150993834-C-A. GRCh37 (hg19) VCF-style: chr7-150690922-C-A.
Other names: c.31C>A, p.Pro11Thr (NM_001160109.2, NM_001160110.1, NM_001160111.1); short protein forms P11T.
Identifiers: ClinVar variation 4083800 (VCV004083800.8).